The following is an entry in ClinVar:

ClinVar aggregate classification (germline): Uncertain significance (1 of 4 stars; one submission).

Submission:

Labcorp Genetics (formerly Invitae), Labcorp
Classification: Uncertain significance. Last evaluated: 2025-05-25. Review status: criteria provided, single submitter. Criteria: Invitae Variant Classification Sherloc (09022015). Collection method: clinical testing. Allele origin: germline.
Comment: This sequence change replaces histidine, which is basic and polar, with glutamine, which is neutral and polar, at codon 966 of the EGF protein (p.His966Gln). This variant is not present in population databases (gnomAD no frequency). This variant has not been reported in the literature in individuals affected with EGF-related conditions. An algorithm developed to predict the effect of missense changes on protein structure and function (PolyPhen-2) suggests that this variant is likely to be tolerated. In summary, the available evidence is currently insufficient to determine the role of this variant in disease. Therefore, it has been classified as a Variant of Uncertain Significance.

NM_001963.6(EGF):c.2898C>G (p.His966Gln)

Genes: EGF (epidermal growth factor; plus strand), LOC129992959 (ATAC-STARR-seq lymphoblastoid active region 21813; plus strand). Cytogenetic location: 4q25.
Variant type: single nucleotide variant.
Coding change: c.2898C>G on transcript NM_001963.6 (MANE Select); coding-DNA position 2898, C replaced by G.
Protein change: p.His966Gln; replaces histidine 966 with glutamine.
Molecular consequence: missense variant.
Genome position (GRCh38, 1-based): chr4:109,994,773, C>G. VCF-style: chr4-109994773-C-G. GRCh37 (hg19) VCF-style: chr4-110915929-C-G.
Other names: c.2775C>G, p.His925Gln (NM_001178130.3); c.2772C>G, p.His924Gln (NM_001178131.3); c.2529C>G, p.His843Gln (NM_001357021.2); short protein forms H924Q, H925Q, H843Q, H966Q.
Identifiers: ClinVar variation 4720212 (VCV004720212.1).